The following is an entry in ClinVar:

ClinVar aggregate classification (germline): Uncertain significance (1 of 4 stars; one submission).

Conditions:
Neuropathy, hereditary sensory and autonomic, type 2A (HSAN2A). Also called: ACROOSTEOLYSIS, GIACCAI TYPE; ACROOSTEOLYSIS, NEUROGENIC; MORVAN DISEASE; NEUROPATHY, CONGENITAL SENSORY; NEUROPATHY, HEREDITARY SENSORY RADICULAR, AUTOSOMAL RECESSIVE; NEUROPATHY, HEREDITARY SENSORY, TYPE IIA. Identifiers: Orphanet 970, MedGen C2752089, MONDO:0024309, OMIM 201300.
Generalized epilepsy with febrile seizures plus, type 7 (GEFSP7). Also called: GEFS+, TYPE 7. Identifiers: Orphanet 36387, MedGen C2751778, MONDO:0013470, OMIM 613863.

Submission:

Labcorp Genetics (formerly Invitae), Labcorp
Classification: Uncertain significance for Neuropathy, hereditary sensory and autonomic, type 2A; Generalized epilepsy with febrile seizures plus, type 7. Last evaluated: 2025-10-22. Review status: criteria provided, single submitter. Criteria: Invitae Variant Classification Sherloc (09022015). Collection method: clinical testing. Allele origin: germline.
Comment: This sequence change replaces arginine, which is basic and polar, with glycine, which is neutral and non-polar, at codon 1875 of the SCN9A protein (p.Arg1875Gly). This variant is not present in population databases (gnomAD no frequency). This variant has not been reported in the literature in individuals affected with SCN9A-related conditions. Invitae Evidence Modeling of protein sequence and biophysical properties (such as structural, functional, and spatial information, amino acid conservation, physicochemical variation, residue mobility, and thermodynamic stability) indicates that this missense variant is not expected to disrupt SCN9A protein function with a negative predictive value of 80%. In summary, the available evidence is currently insufficient to determine the role of this variant in disease. Therefore, it has been classified as a Variant of Uncertain Significance.

NM_001365536.1(SCN9A):c.5656C>G (p.Arg1886Gly)

Genes: SCN1A-AS1 (SCN1A and SCN9A antisense RNA 1; plus strand), SCN9A (sodium voltage-gated channel alpha subunit 9; minus strand). Cytogenetic location: 2q24.3.
Variant type: single nucleotide variant.
Coding change: c.5656C>G on transcript NM_001365536.1 (MANE Select); coding-DNA position 5656, C replaced by G.
Protein change: p.Arg1886Gly; replaces arginine 1886 with glycine.
Molecular consequence: missense variant.
Genome position (GRCh38, 1-based): chr2:166,198,983, G>C on the plus strand (C>G on the coding strand, the complement: SCN9A is on the minus strand). VCF-style: chr2-166198983-G-C. GRCh37 (hg19) VCF-style: chr2-167055493-G-C.
Other names: c.5623C>G, p.Arg1875Gly (NM_002977.4); short protein forms R1886G, R1875G.
Identifiers: ClinVar variation 4789114 (VCV004789114.1).
Genomic context (GRCh38, chr2:166,198,983, plus strand): 5'-TTAAGCGGTAACGTCTATAAGCACGCTGAATGACAGTAGCAGACACATCCTCTTGTTTCC[G>C]TTTTAGTGTGGTTGTGATGGGTTCATAGGACACTTTGGAAGGATTTGCAGACATGAACCT-3'
Protein context (NP_001352465.1, residues 1876-1896): SYEPITTTLK[Arg1886Gly]KQEDVSATVI